The following is an entry in ClinVar:

NM_001875.5(CPS1):c.3404+9_3404+10del

Gene: CPS1 (carbamoyl-phosphate synthase 1; plus strand). Cytogenetic location: 2q34.
Variant type: Deletion.
Coding change: c.3404+9_3404+10del on transcript NM_001875.5 (MANE Select); bases 9 to 10 of the intron after coding-DNA position 3404, 2 bases deleted (GT; older notation c.3404+9_3404+10delGT).
Molecular consequence: intron variant.
Genome position (GRCh38, 1-based): chr2:210,648,549-210,648,550, GT deleted; deleting any 2 consecutive bases within chr2:210,648,548-210,648,550 gives the same sequence; the c. name uses the placement nearest the transcript's 3' end. VCF-style (leftmost placement, unchanged base first): chr2-210648547-CTG-C. GRCh37 (hg19) VCF-style: chr2-211513271-CTG-C.
Other names: c.3404+9_3404+10delGT (NM_001875.4); c.3404+9_3404+10del (LRG_336t1, NM_001369257.1, NM_001122633.3); c.3437+9_3437+10del (NM_001369256.1).
Identifiers: ClinVar variation 421252 (VCV000421252.12), dbSNP rs557000347, ClinGen allele CA2086914.

ClinVar aggregate classification (germline): Benign/Likely benign. Review status: criteria provided, multiple submitters, no conflicts (2 of 4 stars). 3 submissions from 3 submitters: Benign (1); Likely benign (2). Last evaluated 2026-01-28.

Conditions:
Congenital hyperammonemia, type I. Also called: Carbamoyl phosphate synthetase 1 deficiency; Hyperammonemia due to carbamoyl phosphate synthetase 1 deficiency; CPS 1 deficiency; Carbamyl phosphate synthetase (CPS) deficiency; Carbamoyl phosphate synthetase I deficiency disease; CPS I DEFICIENCY. Identifiers: Orphanet 147, MedGen C4082171, MONDO:0009376, OMIM 237300.

Submissions (3):

Labcorp Genetics (formerly Invitae), Labcorp
Classification: Benign for Congenital hyperammonemia, type I. Last evaluated: 2026-01-28. Review status: criteria provided, single submitter. Criteria: Invitae Variant Classification Sherloc (09022015). Collection method: clinical testing. Allele origin: germline.

Blueprint Genetics
Classification: Likely benign. Last evaluated: 2024-11-19. Review status: criteria provided, single submitter. Criteria: ACMG Guidelines, 2015. Collection method: clinical testing. Allele origin: germline.

GeneDx
Classification: Likely benign. Last evaluated: 2016-06-09. Review status: criteria provided, single submitter. Criteria: GeneDx Variant Classification (06012015). Collection method: clinical testing. Allele origin: germline. Affected: yes.
Comment: This variant is considered likely benign or benign based on one or more of the following criteria: it is a conservative change, it occurs at a poorly conserved position in the protein, it is predicted to be benign by multiple in silico algorithms, and/or has population frequency not consistent with disease.